The following is an entry in ClinVar:

ClinVar aggregate classification (germline): Benign (1 of 4 stars; one submission).

Allele frequency attached by ClinVar (database versions not stated): gnomAD 0.51675 and 0.51770; TOPMed 0.54187; 1000 Genomes Project 0.62808; 1000 Genomes Project 30x 0.63018.
gnomAD v4.1: 56,410 of 109,210 alleles (52%); highest among the groups gnomAD compares: African/African-American, 80%; 11,931 homozygotes.

Submission:

GeneDx
Classification: Benign. Last evaluated: 2018-06-14. Review status: criteria provided, single submitter. Criteria: GeneDx Variant Classification (06012015). Collection method: clinical testing. Allele origin: germline. Affected: yes.
Comment: This variant is considered likely benign or benign based on one or more of the following criteria: it is a conservative change, it occurs at a poorly conserved position in the protein, it is predicted to be benign by multiple in silico algorithms, and/or has population frequency not consistent with disease.

NM_004006.3(DMD):c.1483-254T>C

Gene: DMD (dystrophin; minus strand). Cytogenetic location: Xp21.1.
Variant type: single nucleotide variant.
Coding change: c.1483-254T>C on transcript NM_004006.3 (MANE Select); 254 bases into the intron before coding-DNA position 1483, T replaced by C.
Molecular consequence: intron variant.
Genome position (GRCh38, 1-based): chrX:32,596,130, A>G on the plus strand (T>C on the coding strand, the complement: DMD is on the minus strand). VCF-style: chrX-32596130-A-G. GRCh37 (hg19) VCF-style: chrX-32614247-A-G.
Other names: c.1459-254T>C (NM_000109.4); c.1471-254T>C (NM_004009.3); c.1114-254T>C (NM_004010.3).
Identifiers: ClinVar variation 680546 (VCV000680546.1), dbSNP rs808541, ClinGen allele CA328537402.